The following is an entry in ClinVar:

ClinVar aggregate classification (germline): Uncertain significance (1 of 4 stars; one submission).

Conditions:
Long QT syndrome (LQTS). Identifiers: MedGen C0023976, MeSH D008133, MONDO:0002442. Disease mechanism: loss of function. Inheritance: Various modes of inheritance.

Submission:

Labcorp Genetics (formerly Invitae), Labcorp
Classification: Uncertain significance for Long QT syndrome. Last evaluated: 2025-12-31. Review status: criteria provided, single submitter. Criteria: Invitae Variant Classification Sherloc (09022015). Collection method: clinical testing. Allele origin: germline.
Comment: This sequence change replaces alanine, which is neutral and non-polar, with valine, which is neutral and non-polar, at codon 26 of the CACNA1C protein (p.Ala26Val). This variant is not present in population databases (gnomAD no frequency). This variant has not been reported in the literature in individuals affected with CACNA1C-related conditions. ClinVar contains an entry for this variant (Variation ID: 457001). Invitae Evidence Modeling of protein sequence and biophysical properties (such as structural, functional, and spatial information, amino acid conservation, physicochemical variation, residue mobility, and thermodynamic stability) indicates that this missense variant is not expected to disrupt CACNA1C protein function with a negative predictive value of 95%. In summary, the available evidence is currently insufficient to determine the role of this variant in disease. Therefore, it has been classified as a Variant of Uncertain Significance.

NM_000719.7(CACNA1C):c.77C>T (p.Ala26Val)

Gene: CACNA1C (calcium voltage-gated channel subunit alpha1 C; plus strand). Cytogenetic location: 12p13.33.
Variant type: single nucleotide variant.
Coding change: c.77C>T on transcript NM_000719.7 (MANE Select); coding-DNA position 77, C replaced by T.
Protein change: p.Ala26Val; replaces alanine 26 with valine.
Molecular consequence: missense variant.
Genome position (GRCh38, 1-based): chr12:2,115,251, C>T. VCF-style: chr12-2115251-C-T. GRCh37 (hg19) VCF-style: chr12-2224417-C-T.
Other names: c.77C>T, p.Ala26Val (NM_001129827.2, NM_001129829.2, NM_001129830.3 and 19 more transcripts); short protein forms A26V.
Identifiers: ClinVar variation 457001 (VCV000457001.9), dbSNP rs1555192348, ClinGen allele CA383652885.
Genomic context (GRCh38, chr12:2,115,251, plus strand): 5'-GTAACTGTTGTGTTCTTTTCTCTTTTGCCACAGGTTCCAACTATGGGAGCCCACGCCCCG[C>T]CCATGCCAACATGAATGCCAATGCGGCAGCGGGGCTGGCCCCTGAGCACATCCCCACCCC-3'
Protein context (NP_000710.5, residues 16-36): QGSNYGSPRP[Ala26Val]HANMNANAAA